The following is an entry in ClinVar:

ClinVar aggregate classification (germline): Uncertain significance (1 of 4 stars; one submission).

Allele frequency attached by ClinVar (database versions not stated): gnomAD exomes below 0.00001; ExAC 0.00002; ESP Exome Variant Server 0.00008.

Submission:

Labcorp Genetics (formerly Invitae), Labcorp
Classification: Uncertain significance. Last evaluated: 2021-09-30. Review status: criteria provided, single submitter. Criteria: Invitae Variant Classification Sherloc (09022015). Collection method: clinical testing. Allele origin: germline.
Comment: This sequence change replaces cysteine with arginine at codon 684 of the SORL1 protein (p.Cys684Arg). The cysteine residue is highly conserved and there is a large physicochemical difference between cysteine and arginine. This variant is present in population databases (rs369866080, ExAC 0.02%). This variant has not been reported in the literature in individuals affected with SORL1-related conditions. Algorithms developed to predict the effect of missense changes on protein structure and function are either unavailable or do not agree on the potential impact of this missense change (SIFT: "Deleterious"; PolyPhen-2: "Probably Damaging"; Align-GVGD: "Class C0"). In summary, the available evidence is currently insufficient to determine the role of this variant in disease. Therefore, it has been classified as a Variant of Uncertain Significance.

NM_003105.6(SORL1):c.2050T>C (p.Cys684Arg)

Gene: SORL1 (sortilin related receptor 1; plus strand). Cytogenetic location: 11q24.1.
Variant type: single nucleotide variant.
Coding change: c.2050T>C on transcript NM_003105.6 (MANE Select); coding-DNA position 2050, T replaced by C.
Protein change: p.Cys684Arg; replaces cysteine 684 with arginine.
Molecular consequence: missense variant.
Genome position (GRCh38, 1-based): chr11:121,545,428, T>C. VCF-style: chr11-121545428-T-C. GRCh37 (hg19) VCF-style: chr11-121416137-T-C.
Other names: short protein forms C684R.
Identifiers: ClinVar variation 1493474 (VCV001493474.6), dbSNP rs369866080, ClinGen allele CA6328810.
Genomic context (GRCh38, chr11:121,545,428, plus strand): 5'-GAGGACTTTGACAGGCCGGTGGTCGTGTCCAACTGCTCCTGCACCCGGGAGGACTATGAG[T>C]GGTCAGTTCTTCTTTGATGGCTGGGGACTGAGTTGTGTTTTATTCACTCAGCAGTGTTGG-3'
Protein context (NP_003096.2, residues 674-694): NCSCTREDYE[Cys684Arg]DFGFKMSEDL